The following is an entry in ClinVar:

NM_000069.3(CACNA1S):c.201C>T (p.Ala67=)

Gene: CACNA1S (calcium voltage-gated channel subunit alpha1 S; minus strand). Cytogenetic location: 1q32.1.
Variant type: single nucleotide variant.
Coding change: c.201C>T on transcript NM_000069.3 (MANE Select); coding-DNA position 201, C replaced by T.
Protein change: p.Ala67=; no amino-acid change (alanine 67 retained).
Molecular consequence: synonymous variant.
Genome position (GRCh38, 1-based): chr1:201,110,221, G>A on the plus strand (C>T on the coding strand, the complement: CACNA1S is on the minus strand). VCF-style: chr1-201110221-G-A. GRCh37 (hg19) VCF-style: chr1-201079349-G-A.
Identifiers: ClinVar variation 1129469 (VCV001129469.10), dbSNP rs1383561230, ClinGen allele CA422697380.

ClinVar aggregate classification (germline): Likely benign. Review status: criteria provided, multiple submitters, no conflicts (2 of 4 stars). 2 submissions from 2 submitters: Likely benign (2). Last evaluated 2023-09-17.

Conditions:
Malignant hyperthermia, susceptibility to, 5 (MHS5). Also called: CACNA1S-Related Malignant Hyperthermia Susceptibility. Identifiers: Orphanet 423, MedGen C1866077, MONDO:0011163, OMIM 601887.
Hypokalemic periodic paralysis, type 1. Also called: HypoPP; Hypokalemic Periodic Paralysis Type 1 (AD). Identifiers: Orphanet 681, MedGen C3714580, MONDO:0042979, OMIM 170400.

Allele frequency attached by ClinVar (database versions not stated): gnomAD exomes below 0.00001; gnomAD 0.00001.
gnomAD v4.1: 4 of 1,614,068 alleles (0.00025%); highest among the groups gnomAD compares: African/African-American, 0.004%; no homozygotes.

Submissions (2):

All of Us Research Program, National Institutes of Health
Classification: Likely benign for Malignant hyperthermia, susceptibility to, 5. Last evaluated: 2023-09-17. Review status: criteria provided, single submitter. Criteria: ACMG Guidelines, 2015. Collection method: clinical testing. Allele origin: germline. Inheritance: Autosomal dominant inheritance. Observed: 1 variant allele, 1 heterozygote.
Comment: This study involves interpretation of variants in research participants for the purpose of population health screening. Participant phenotype was not available at the time of variant classification. Additional details can be found in publication PMID: 35346344, PMCID: PMC8962531

Labcorp Genetics (formerly Invitae), Labcorp
Classification: Likely benign for Hypokalemic periodic paralysis, type 1; Malignant hyperthermia, susceptibility to, 5. Last evaluated: 2022-07-05. Review status: criteria provided, single submitter. Criteria: Invitae Variant Classification Sherloc (09022015). Collection method: clinical testing. Allele origin: germline.